The following is an entry in ClinVar:

NM_000051.4(ATM):c.8387del (p.Phe2796fs)

Genes: ATM (ATM serine/threonine kinase; plus strand), C11orf65 (chromosome 11 open reading frame 65; minus strand). Cytogenetic location: 11q22.3.
Variant type: Deletion.
Coding change: c.8387del on transcript NM_000051.4 (MANE Select); coding-DNA position 8387, one base deleted (T; older notation c.8387delT).
Protein change: p.Phe2796fs; shifts the reading frame from phenylalanine 2796.
Molecular consequence: frameshift variant. On other transcripts: intron variant (2).
Genome position (GRCh38, 1-based): chr11:108,343,340, T deleted; the last of 3 consecutive T bases (chr11:108,343,338-108,343,340); deleting any one gives the same sequence. VCF-style (leftmost placement, unchanged base first): chr11-108343337-AT-A. GRCh37 (hg19) VCF-style: chr11-108214064-AT-A.
Other names: c.8387del, p.Phe2796fs (NM_001351834.2); c.641-34267del (NM_001330368.2); c.695-8046del (NM_001351110.2); short protein forms F2796fs.
Identifiers: ClinVar variation 1763174 (VCV001763174.2), dbSNP rs2547418853, ClinGen allele CA2580083394.

ClinVar aggregate classification (germline): Pathogenic. Review status: criteria provided, multiple submitters, no conflicts (2 of 4 stars). 2 submissions from 2 submitters: Pathogenic (2). Last evaluated 2024-02-02.

Conditions:
Familial cancer of breast. Also called: Hereditary breast cancer; hereditary breast carcinoma; BREAST CANCER, FAMILIAL. Identifiers: Orphanet 227535, MedGen C0346153, MONDO:0016419, OMIM 114480. Disease mechanism: loss of function.
Hereditary cancer-predisposing syndrome. Also called: Hereditary neoplastic syndrome; Neoplastic Syndromes, Hereditary; Tumor predisposition; Hereditary Cancer Syndrome. Identifiers: Orphanet 140162, MedGen C0027672, MeSH D009386, MONDO:0015356.

Submissions (2):

Myriad Genetics, Inc.
Classification: Pathogenic for Familial cancer of breast. Last evaluated: 2024-02-02. Review status: criteria provided, single submitter. Criteria: Myriad Autosomal Dominant, Autosomal Recessive and X-Linked Classification Criteria (2023). Collection method: clinical testing. Allele origin: unknown.
Comment: This variant is considered pathogenic. This variant creates a frameshift predicted to result in premature protein truncation.

Ambry Genetics
Classification: Pathogenic for Hereditary cancer-predisposing syndrome. Last evaluated: 2021-11-24. Review status: criteria provided, single submitter. Criteria: Ambry Variant Classification Scheme 2023. Collection method: clinical testing. Allele origin: germline.
Comment: The c.8387delT pathogenic mutation, located in coding exon 56 of the ATM gene, results from a deletion of one nucleotide at nucleotide position 8387, causing a translational frameshift with a predicted alternate stop codon (p.F2796Sfs*10). This alteration is expected to result in loss of function by premature protein truncation or nonsense-mediated mRNA decay. As such, this alteration is interpreted as a disease-causing mutation.